The following is an entry in ClinVar:

ClinVar aggregate classification (germline): Uncertain significance (1 of 4 stars; one submission).

Submission:

Labcorp Genetics (formerly Invitae), Labcorp
Classification: Uncertain significance. Last evaluated: 2024-01-08. Review status: criteria provided, single submitter. Criteria: Invitae Variant Classification Sherloc (09022015). Collection method: clinical testing. Allele origin: germline.
Comment: This sequence change replaces alanine, which is neutral and non-polar, with threonine, which is neutral and polar, at codon 821 of the PDE6C protein (p.Ala821Thr). This variant is not present in population databases (gnomAD no frequency). This variant has not been reported in the literature in individuals affected with PDE6C-related conditions. ClinVar contains an entry for this variant (Variation ID: 1006112). Advanced modeling of protein sequence and biophysical properties (such as structural, functional, and spatial information, amino acid conservation, physicochemical variation, residue mobility, and thermodynamic stability) performed at Invitae indicates that this missense variant is not expected to disrupt PDE6C protein function with a negative predictive value of 80%. In summary, the available evidence is currently insufficient to determine the role of this variant in disease. Therefore, it has been classified as a Variant of Uncertain Significance.

NM_006204.4(PDE6C):c.2461G>A (p.Ala821Thr)

Gene: PDE6C (phosphodiesterase 6C; plus strand). Cytogenetic location: 10q23.33.
Variant type: single nucleotide variant.
Coding change: c.2461G>A on transcript NM_006204.4 (MANE Select); coding-DNA position 2461, G replaced by A.
Protein change: p.Ala821Thr; replaces alanine 821 with threonine.
Molecular consequence: missense variant.
Genome position (GRCh38, 1-based): chr10:93,663,121, G>A. VCF-style: chr10-93663121-G-A. GRCh37 (hg19) VCF-style: chr10-95422878-G-A.
Other names: short protein forms A821T.
Identifiers: ClinVar variation 1006112 (VCV001006112.10), dbSNP rs2058674018, ClinGen allele CA377629480.